The following is an entry in ClinVar:

ClinVar aggregate classification (germline): Conflicting classifications of pathogenicity. Review status: criteria provided, conflicting classifications (1 of 4 stars). 9 submissions from 8 submitters: Uncertain significance (5); Benign (1); Likely benign (3). Last evaluated 2025-05-01.

Conditions:
Emery-Dreifuss muscular dystrophy 4, autosomal dominant (EDMD4). Also called: EMERY-DREIFUSS MUSCULAR DYSTROPHY 4 WITH VARIABLE FEATURES. Identifiers: Orphanet 261, MedGen C2751807, MONDO:0013071, OMIM 612998.
Autosomal recessive ataxia, Beauce type. Also called: SYNE1 Deficiency; SYNE1-Related Autosomal Recessive Cerebellar Ataxia; ATAXIA, RECESSIVE, OF BEAUCE; Spinocerebellar ataxia, autosomal recessive 8. Identifiers: Orphanet 88644, MedGen C1853116, MONDO:0012549, OMIM 610743.

Allele frequency attached by ClinVar (database versions not stated): ESP Exome Variant Server 0.00008; ExAC 0.00010; gnomAD 0.00011; gnomAD exomes 0.00011 and 0.00012; TOPMed 0.00019.
gnomAD v4.1: 181 of 1,614,102 alleles (0.011%); highest among the groups gnomAD compares: Middle Eastern, 0.18%; no homozygotes.

Submissions (9):

CeGaT Center for Human Genetics Tuebingen
Classification: Likely benign. Last evaluated: 2025-05-01. Review status: criteria provided, single submitter. Criteria: CeGaT Center For Human Genetics Tuebingen Variant Classification Criteria Version 2. Collection method: clinical testing. Allele origin: germline. Affected: yes. Observed: 1 variant allele.
Comment: SYNE1: BP4

Labcorp Genetics (formerly Invitae), Labcorp
Classification: Uncertain significance for Emery-Dreifuss muscular dystrophy 4, autosomal dominant; Autosomal recessive ataxia, Beauce type. Last evaluated: 2024-10-26. Review status: criteria provided, single submitter. Criteria: Invitae Variant Classification Sherloc (09022015). Collection method: clinical testing. Allele origin: germline.
Comment: This sequence change replaces lysine, which is basic and polar, with glutamic acid, which is acidic and polar, at codon 6587 of the SYNE1 protein (p.Lys6587Glu). This variant is present in population databases (rs376891338, gnomAD 0.07%). This variant has not been reported in the literature in individuals affected with SYNE1-related conditions. ClinVar contains an entry for this variant (Variation ID: 290531). An algorithm developed to predict the effect of missense changes on protein structure and function (PolyPhen-2) suggests that this variant¬¨‚Ä†is likely to be tolerated. In summary, the available evidence is currently insufficient to determine the role of this variant in disease. Therefore, it has been classified as a Variant of Uncertain Significance.

Blueprint Genetics
Classification: Likely benign. Last evaluated: 2024-10-24. Review status: criteria provided, single submitter. Criteria: ACMG Guidelines, 2015. Collection method: clinical testing. Allele origin: germline.

Revvity Omics, Revvity
Classification: Likely benign. Last evaluated: 2024-02-09. Review status: criteria provided, single submitter. Criteria: ACMG Guidelines, 2015. Collection method: clinical testing. Allele origin: germline.

Athena Diagnostics
Classification: Uncertain significance. Last evaluated: 2023-12-08. Review status: criteria provided, single submitter. Criteria: Athena Diagnostics Criteria. Collection method: clinical testing. Allele origin: unknown.
Comment: Available data are insufficient to determine the clinical significance of the variant at this time. The frequency of this variant in the general population is higher than would generally be expected for pathogenic variants in this gene. Computational tools predict that this variant is not damaging.

GeneDx
Classification: Uncertain significance. Last evaluated: 2023-06-02. Review status: criteria provided, single submitter. Criteria: GeneDx Variant Classification Process June 2021. Collection method: clinical testing. Allele origin: germline. Affected: yes.
Comment: In silico analysis supports that this missense variant has a deleterious effect on protein structure/function; Has not been previously published as pathogenic or benign to our knowledge

Illumina Laboratory Services, Illumina
Classification: Uncertain significance for Autosomal recessive ataxia, Beauce type. Last evaluated: 2018-01-13. Review status: criteria provided, single submitter. Criteria: ICSL Variant Classification Criteria 13 December 2019. Collection method: clinical testing. Allele origin: germline.

Illumina Laboratory Services, Illumina
Classification: Benign for Emery-Dreifuss muscular dystrophy 4, autosomal dominant. Last evaluated: 2018-01-13. Review status: criteria provided, single submitter. Criteria: ICSL Variant Classification Criteria 13 December 2019. Collection method: clinical testing. Allele origin: germline.
Comment: This variant was observed in the ICSL laboratory as part of a predisposition screen in an ostensibly healthy population. It had not been previously curated by ICSL or reported in the Human Gene Mutation Database (HGMD: prior to June 1st, 2018), and was therefore a candidate for classification through an automated scoring system. Utilizing variant allele frequency, disease prevalence and penetrance estimates, and inheritance mode, an automated score was calculated to assess if this variant is too frequent to cause the disease. Based on the score and internal cut-off values, a variant classified as benign is not then subjected to further curation. The score for this variant resulted in a classification of benign for this disease.

Eurofins Ntd Llc (ga)
Classification: Uncertain significance. Last evaluated: 2016-08-31. Review status: criteria provided, single submitter. Criteria: EGL Classification Definitions 2015. Collection method: clinical testing. Allele origin: germline. Observed: 2 variant alleles, 2 heterozygotes.

NM_182961.4(SYNE1):c.19972A>G (p.Lys6658Glu)

Gene: SYNE1 (spectrin repeat containing nuclear envelope protein 1; minus strand). Cytogenetic location: 6q25.2.
Variant type: single nucleotide variant.
Coding change: c.19972A>G on transcript NM_182961.4 (MANE Select); coding-DNA position 19972, A replaced by G.
Protein change: p.Lys6658Glu; replaces lysine 6658 with glutamic acid.
Molecular consequence: missense variant.
Genome position (GRCh38, 1-based): chr6:152,239,628, T>C on the plus strand (A>G on the coding strand, the complement: SYNE1 is on the minus strand). VCF-style: chr6-152239628-T-C. GRCh37 (hg19) VCF-style: chr6-152560763-T-C.
Other names: c.19972A>G (NM_182961.2); c.19759A>G, p.Lys6587Glu (NM_033071.5); short protein forms K6587E, K6658E.
Identifiers: ClinVar variation 290531 (VCV000290531.30), dbSNP rs376891338, ClinGen allele CA4054535.